The following is an entry in ClinVar:

ClinVar aggregate classification (germline): Pathogenic. Review status: reviewed by expert panel (3 of 4 stars). 7 submissions from 7 submitters: Pathogenic (1). 6 of the submissions do not count toward it. Last evaluated 2016-09-08.

Conditions:
Hereditary breast ovarian cancer syndrome. Also called: Hereditary breast and ovarian cancer syndrome; Hereditary breast and ovarian cancer; Hereditary breast and ovarian cancer syndrome (HBOC); Breast and ovarian cancer; Hereditary breast and/or ovarian cancer syndrome; BRCA1- and BRCA2-Associated Hereditary Breast and Ovarian Cancer. Identifiers: Orphanet 145, MedGen C0677776, MeSH D061325, MONDO:0003582. Disease mechanism: loss of function.
Breast-ovarian cancer, familial, susceptibility to, 2 (BROVCA2). Also called: BRCA2 Hereditary Breast and Ovarian Cancer. Identifiers: Orphanet 145, MedGen C2675520, MONDO:0012933, OMIM 612555. Disease mechanism: loss of function.
Hereditary cancer-predisposing syndrome. Also called: Neoplastic Syndromes, Hereditary; Tumor predisposition; Hereditary Cancer Syndrome; Hereditary neoplastic syndrome. Identifiers: Orphanet 140162, MedGen C0027672, MeSH D009386, MONDO:0015356.

Submissions (7):

Evidence-based Network for the Interpretation of Germline Mutant Alleles (ENIGMA)
Classification: Pathogenic for Breast-ovarian cancer, familial, susceptibility to, 2. Last evaluated: 2016-09-08. Review status: reviewed by expert panel. Criteria: ENIGMA BRCA1/2 Classification Criteria (2015). Collection method: curation. Allele origin: germline.
Comment: Variant allele predicted to encode a truncated non-functional protein.

Molecular Pathology, Peter Maccallum Cancer Centre
Classification: Pathogenic for Breast-ovarian cancer, familial, susceptibility to, 2. Last evaluated: 2024-03-19. Review status: criteria provided, single submitter. Criteria: ACMG Guidelines, 2015. Collection method: clinical testing. Allele origin: germline. Inheritance: Autosomal dominant inheritance. Not counted in ClinVar's aggregate classification.

Ambry Genetics
Classification: Pathogenic for Hereditary cancer-predisposing syndrome. Last evaluated: 2023-07-26. Review status: criteria provided, single submitter. Criteria: Ambry Variant Classification Scheme 2023. Collection method: clinical testing. Allele origin: germline. Not counted in ClinVar's aggregate classification.
Comment: The c.3860_3863delATAA pathogenic mutation, located in coding exon 10 of the BRCA2 gene, results from a deletion of 4 nucleotides at nucleotide positions 3860 to 3863, causing a translational frameshift with a predicted alternate stop codon (p.N1287Ifs*5). This mutation has been reported in a French breast and/or ovarian cancer family (Lecarpentier J et al. Breast Cancer Res. 2012 Jul 3;14(4):R99). This variant is considered to be rare based on population cohorts in the Genome Aggregation Database (gnomAD). In addition to the clinical data presented in the literature, this alteration is expected to result in loss of function by premature protein truncation or nonsense-mediated mRNA decay. As such, this alteration is interpreted as a disease-causing mutation.

Labcorp Genetics (formerly Invitae), Labcorp
Classification: Pathogenic for Hereditary breast ovarian cancer syndrome. Last evaluated: 2022-11-17. Review status: criteria provided, single submitter. Criteria: Invitae Variant Classification Sherloc (09022015). Collection method: clinical testing. Allele origin: germline. Not counted in ClinVar's aggregate classification.
Comment: This variant is not present in population databases (gnomAD no frequency). This sequence change creates a premature translational stop signal (p.Asn1287Ilefs*5) in the BRCA2 gene. It is expected to result in an absent or disrupted protein product. Loss-of-function variants in BRCA2 are known to be pathogenic (PMID: 20104584). For these reasons, this variant has been classified as Pathogenic. ClinVar contains an entry for this variant (Variation ID: 51544). This variant is also known as c.3858_3861delAAAT. This premature translational stop signal has been observed in individual(s) with clinical features of BRCA2-related conditions (PMID: 22762150, 26556299).

Women's Health and Genetics/Laboratory Corporation of America, LabCorp
Classification: Pathogenic for Hereditary breast ovarian cancer syndrome. Last evaluated: 2016-02-17. Review status: criteria provided, single submitter. Criteria: LabCorp Variant Classification Summary - May 2015. Collection method: clinical testing. Allele origin: germline. Not counted in ClinVar's aggregate classification.

Consortium of Investigators of Modifiers of BRCA1/2 (CIMBA), c/o University of Cambridge
Classification: Pathogenic for Breast-ovarian cancer, familial, susceptibility to, 2. Last evaluated: 2015-10-02. Review status: criteria provided, single submitter. Criteria: CIMBA Mutation Classification guidelines May 2016. Collection method: clinical testing. Allele origin: germline. Not counted in ClinVar's aggregate classification.

Breast Cancer Information Core (BIC) (BRCA2)
Classification: Pathogenic for Breast-ovarian cancer, familial 2. Last evaluated: 2002-05-29. Review status: no assertion criteria provided. Collection method: clinical testing. Allele origin: germline. Affected: yes. Observed: 2 variant alleles. Not counted in ClinVar's aggregate classification.

Literature cited by the submitters: PubMed 20104584 (cited by Labcorp Genetics (formerly Invitae), Labcorp); PubMed 22762150 (cited by Labcorp Genetics (formerly Invitae), Labcorp and Women's Health and Genetics/Laboratory Corporation of America, LabCorp); PubMed 26556299 (cited by Labcorp Genetics (formerly Invitae), Labcorp).

NM_000059.4(BRCA2):c.3860_3863del (p.Asn1287fs)

Gene: BRCA2 (BRCA2 DNA repair associated; plus strand). Cytogenetic location: 13q13.1.
Variant type: Deletion.
Coding change: c.3860_3863del on transcript NM_000059.4 (MANE Select); coding-DNA positions 3860 to 3863, 4 bases deleted (ATAA; older notation c.3860_3863delATAA).
Protein change: p.Asn1287fs; shifts the reading frame from asparagine 1287.
Molecular consequence: frameshift variant.
Genome position (GRCh38, 1-based): chr13:32,338,215-32,338,218, ATAA deleted; deleting any 4 consecutive bases within chr13:32,338,213-32,338,218 gives the same sequence; the c. name uses the placement nearest the transcript's 3' end. VCF-style (leftmost placement, unchanged base first): chr13-32338212-AAAAT-A. GRCh37 (hg19) VCF-style: chr13-32912349-AAAAT-A.
Other names: 4088del4; c.3860_3863delATAA (NM_000059.3).
Identifiers: ClinVar variation 51544 (VCV000051544.17), dbSNP rs80359410, ClinGen allele CA018990.